The following is an entry in ClinVar:

ClinVar aggregate classification (germline): Uncertain significance (1 of 4 stars; one submission).

Submission:

Ambry Genetics
Classification: Uncertain significance. Last evaluated: 2023-06-12. Review status: criteria provided, single submitter. Criteria: Ambry Variant Classification Scheme 2023. Collection method: clinical testing. Allele origin: germline.
Comment: The p.S1594R variant (also known as c.4780A>C), located in coding exon 16 of the POLQ gene, results from an A to C substitution at nucleotide position 4780. The serine at codon 1594 is replaced by arginine, an amino acid with dissimilar properties. This amino acid position is conserved. In addition, this alteration is predicted to be tolerated by in silico analysis. Since supporting evidence is limited at this time, the clinical significance of this alteration remains unclear.

NM_199420.4(POLQ):c.4780A>C (p.Ser1594Arg)

Gene: POLQ (DNA polymerase theta; minus strand). Cytogenetic location: 3q13.33.
Variant type: single nucleotide variant.
Coding change: c.4780A>C on transcript NM_199420.4 (MANE Select); coding-DNA position 4780, A replaced by C.
Protein change: p.Ser1594Arg; replaces serine 1594 with arginine.
Molecular consequence: missense variant.
Genome position (GRCh38, 1-based): chr3:121,488,151, T>G on the plus strand (A>C on the coding strand, the complement: POLQ is on the minus strand). VCF-style: chr3-121488151-T-G. GRCh37 (hg19) VCF-style: chr3-121206998-T-G.
Other names: short protein forms S1594R.
Identifiers: ClinVar variation 2563897 (VCV002563897.2), dbSNP rs2546785522, ClinGen allele CA354093865.